The following is an entry in ClinVar:

NM_000135.4(FANCA):c.3763G>A (p.Glu1255Lys)

Gene: FANCA (FA complementation group A; minus strand). Cytogenetic location: 16q24.3.
Variant type: single nucleotide variant.
Coding change: c.3763G>A on transcript NM_000135.4 (MANE Select); coding-DNA position 3763, G replaced by A.
Protein change: p.Glu1255Lys; replaces glutamic acid 1255 with lysine.
Molecular consequence: missense variant.
Genome position (GRCh38, 1-based): chr16:89,742,802, C>T on the plus strand (G>A on the coding strand, the complement: FANCA is on the minus strand). VCF-style: chr16-89742802-C-T. GRCh37 (hg19) VCF-style: chr16-89809210-C-T.
Other names: c.3763G>A, p.Glu1255Lys (NM_001286167.3); short protein forms E1255K.
Identifiers: ClinVar variation 4022220 (VCV004022220.1).

ClinVar aggregate classification (germline): Uncertain significance (1 of 4 stars; one submission).

Conditions:
Inborn genetic diseases. Identifiers: MedGen C0950123, MeSH D030342.

Submission:

Ambry Genetics
Classification: Uncertain significance for Inborn genetic diseases. Last evaluated: 2025-04-24. Review status: criteria provided, single submitter. Criteria: Ambry Variant Classification Scheme 2023. Collection method: clinical testing. Allele origin: germline.
Comment: The p.E1255K variant (also known as c.3763G>A), located in coding exon 37 of the FANCA gene, results from a G to A substitution at nucleotide position 3763. The glutamic acid at codon 1255 is replaced by lysine, an amino acid with similar properties. This amino acid position is conserved. In addition, the in silico prediction for this alteration is inconclusive. Based on the available evidence, the clinical significance of this variant remains unclear.